The following is an entry in ClinVar:

ClinVar aggregate classification (germline): Benign. Review status: criteria provided, single submitter (1 of 4 stars). 2 submissions from 2 submitters: Benign (1). 1 of the submissions does not count toward it. Last evaluated 2024-08-21.

Conditions:
Rubinstein-Taybi syndrome due to EP300 haploinsufficiency. Also called: EP300-Related Rubinstein-Taybi Syndrome; RUBINSTEIN-TAYBI SYNDROME 2. Identifiers: Orphanet 353284, Orphanet 783, MedGen C3150941, MONDO:0013364, OMIM 613684.
EP300-related disorder. Also called: EP300-related condition; EP300-related disorders.

gnomAD v4.1: 4 of 1,613,990 alleles (0.00025%); highest among the groups gnomAD compares: Middle Eastern, 0.016%; no homozygotes.

Submissions (2):

Labcorp Genetics (formerly Invitae), Labcorp
Classification: Benign for Rubinstein-Taybi syndrome due to EP300 haploinsufficiency. Last evaluated: 2024-08-21. Review status: criteria provided, single submitter. Criteria: Invitae Variant Classification Sherloc (09022015). Collection method: clinical testing. Allele origin: germline.

PreventionGenetics, part of Exact Sciences
Classification: Likely benign for EP300-related condition. Last evaluated: 2022-09-15. Review status: no assertion criteria provided. Collection method: clinical testing. Allele origin: germline. Not counted in ClinVar's aggregate classification.
Comment: This variant is classified as likely benign based on ACMG/AMP sequence variant interpretation guidelines (Richards et al. 2015 PMID: 25741868, with internal and published modifications).

NM_001429.4(EP300):c.6447A>G (p.Gln2149=)

Gene: EP300 (EP300 lysine acetyltransferase; plus strand). Cytogenetic location: 22q13.2.
Variant type: single nucleotide variant.
Coding change: c.6447A>G on transcript NM_001429.4 (MANE Select); coding-DNA position 6447, A replaced by G.
Protein change: p.Gln2149=; no amino-acid change (glutamine 2149 retained).
Molecular consequence: synonymous variant.
Genome position (GRCh38, 1-based): chr22:41,178,158, A>G. VCF-style: chr22-41178158-A-G. GRCh37 (hg19) VCF-style: chr22-41574162-A-G.
Other names: c.6369A>G, p.Gln2123= (NM_001362843.2).
Identifiers: ClinVar variation 3352043 (VCV003352043.3).
Genomic context (GRCh38, chr22:41,178,158, plus strand): 5'-CATGCAGAACATGAATCCAATGCAGGCGGGCGTTCAGAGGGCTGGCCTGCCCCAGCAGCA[A>G]CCACAGCAGCAACTCCAGCCACCCATGGGAGGGATGAGCCCCCAGGCTCAGCAGATGAAC-3'
Protein context (NP_001420.2, residues 2139-2159): GVQRAGLPQQ[Gln2149=]PQQQLQPPMG